The following is an entry in ClinVar:

ClinVar aggregate classification (germline): Uncertain significance (1 of 4 stars; one submission).

Conditions:
Niemann-Pick disease, type C1. Also called: NIEMANN-PICK DISEASE, VARIANT TYPE C1; NEUROVISCERAL STORAGE DISEASE WITH VERTICAL SUPRANUCLEAR OPHTHALMOPLEGIA; NIEMANN-PICK DISEASE WITH CHOLESTEROL ESTERIFICATION BLOCK; NIEMANN-PICK DISEASE WITHOUT SPHINGOMYELINASE DEFICIENCY; NIEMANN-PICK DISEASE, CHRONIC NEURONOPATHIC FORM. Identifiers: Orphanet 646, MedGen C3179455, MONDO:0009757, OMIM 257220.

Submission:

Labcorp Genetics (formerly Invitae), Labcorp
Classification: Uncertain significance for Niemann-Pick disease, type C1. Last evaluated: 2024-11-03. Review status: criteria provided, single submitter. Criteria: Invitae Variant Classification Sherloc (09022015). Collection method: clinical testing. Allele origin: germline.
Comment: This sequence change replaces alanine, which is neutral and non-polar, with threonine, which is neutral and polar, at codon 1058 of the NPC1 protein (p.Ala1058Thr). This variant is not present in population databases (gnomAD no frequency). This variant has not been reported in the literature in individuals affected with NPC1-related conditions. Invitae Evidence Modeling of protein sequence and biophysical properties (such as structural, functional, and spatial information, amino acid conservation, physicochemical variation, residue mobility, and thermodynamic stability) indicates that this missense variant is expected to disrupt NPC1 protein function with a positive predictive value of 95%. In summary, the available evidence is currently insufficient to determine the role of this variant in disease. Therefore, it has been classified as a Variant of Uncertain Significance.

NM_000271.5(NPC1):c.3172G>A (p.Ala1058Thr)

Gene: NPC1 (NPC intracellular cholesterol transporter 1; minus strand). Cytogenetic location: 18q11.2.
Variant type: single nucleotide variant.
Coding change: c.3172G>A on transcript NM_000271.5 (MANE Select); coding-DNA position 3172, G replaced by A.
Protein change: p.Ala1058Thr; replaces alanine 1058 with threonine.
Molecular consequence: missense variant.
Genome position (GRCh38, 1-based): chr18:23,536,746, C>T on the plus strand (G>A on the coding strand, the complement: NPC1 is on the minus strand). VCF-style: chr18-23536746-C-T. GRCh37 (hg19) VCF-style: chr18-21116710-C-T.
Other names: short protein forms A1058T.
Identifiers: ClinVar variation 3637535 (VCV003637535.2).